The following is an entry in ClinVar:

NM_001256789.3(CACNA1F):c.202T>A (p.Ser68Thr)

Gene: CACNA1F (calcium voltage-gated channel subunit alpha1 F; minus strand). Cytogenetic location: Xp11.23.
Variant type: single nucleotide variant.
Coding change: c.202T>A on transcript NM_001256789.3 (MANE Select); coding-DNA position 202, T replaced by A.
Protein change: p.Ser68Thr; replaces serine 68 with threonine.
Molecular consequence: missense variant. On other transcripts: intron variant (1).
Genome position (GRCh38, 1-based): chrX:49,231,751, A>T on the plus strand (T>A on the coding strand, the complement: CACNA1F is on the minus strand). VCF-style: chrX-49231751-A-T. GRCh37 (hg19) VCF-style: chrX-49088213-A-T.
Other names: c.202T>A, p.Ser68Thr (NM_005183.4); c.66-59T>A (NM_001256790.3); short protein forms S68T.
Identifiers: ClinVar variation 2874333 (VCV002874333.3), dbSNP rs1225585290, ClinGen allele CA412927488.

ClinVar aggregate classification (germline): Uncertain significance (1 of 4 stars; one submission).

Allele frequency attached by ClinVar (database versions not stated): gnomAD exomes below 0.00001; TOPMed below 0.00001; gnomAD 0.00001.
gnomAD v4.1: 3 of 1,208,666 alleles (0.00025%); highest among the groups gnomAD compares: African/African-American, 0.0052%; no homozygotes.

Submission:

Labcorp Genetics (formerly Invitae), Labcorp
Classification: Uncertain significance. Last evaluated: 2022-12-31. Review status: criteria provided, single submitter. Criteria: Invitae Variant Classification Sherloc (09022015). Collection method: clinical testing. Allele origin: germline.
Comment: In summary, the available evidence is currently insufficient to determine the role of this variant in disease. Therefore, it has been classified as a Variant of Uncertain Significance. Algorithms developed to predict the effect of missense changes on protein structure and function are either unavailable or do not agree on the potential impact of this missense change (SIFT: "Deleterious"; PolyPhen-2: "Possibly Damaging"; Align-GVGD: "Class C0"). This variant has not been reported in the literature in individuals affected with CACNA1F-related conditions. This variant is present in population databases (no rsID available, gnomAD 0.008%). This sequence change replaces serine, which is neutral and polar, with threonine, which is neutral and polar, at codon 68 of the CACNA1F protein (p.Ser68Thr).